The following is an entry in ClinVar:

NM_001145026.2(PTPRQ):c.4758C>A (p.Ser1586=)

Gene: PTPRQ (protein tyrosine phosphatase receptor type Q; plus strand). Cytogenetic location: 12q21.31.
Variant type: single nucleotide variant.
Coding change: c.4758C>A on transcript NM_001145026.2 (MANE Select); coding-DNA position 4758, C replaced by A.
Protein change: p.Ser1586=; no amino-acid change (serine 1586 retained).
Molecular consequence: synonymous variant.
Genome position (GRCh38, 1-based): chr12:80,610,465, C>A. VCF-style: chr12-80610465-C-A. GRCh37 (hg19) VCF-style: chr12-81004244-C-A.
Identifiers: ClinVar variation 805263 (VCV000805263.35), dbSNP rs141624342, ClinGen allele CA6702762.
Genomic context (GRCh38, chr12:80,610,465, plus strand): 5'-TGCTTCCTTAATTTTTACTTATATTTTCCTATAGGTAGATAATGATGAATTTAATATATC[C>A]TTCATCAAGTCAAATGAAGAAAATAAAACCATAGAAATTAAAGATTTAGAAATATTCACA-3'
Protein context (NP_001138498.1, residues 1576-1596): KSVDNDEFNI[Ser1586=]FIKSNEENKT

ClinVar aggregate classification (germline): Benign. Review status: criteria provided, multiple submitters, no conflicts (2 of 4 stars). 4 submissions from 4 submitters: Benign (4). Last evaluated 2023-11-01.

Allele frequency attached by ClinVar (database versions not stated): 1000 Genomes Project 30x 0.00234; 1000 Genomes Project 0.00240; gnomAD 0.00266 and 0.00270; TOPMed 0.00321; ExAC 0.01151.

Submissions (4):

CeGaT Center for Human Genetics Tuebingen
Classification: Benign. Last evaluated: 2023-11-01. Review status: criteria provided, single submitter. Criteria: CeGaT Center For Human Genetics Tuebingen Variant Classification Criteria Version 2. Collection method: clinical testing. Allele origin: germline. Affected: yes. Observed: 7 variant alleles.
Comment: PTPRQ: BP4, BP7, BS1, BS2

GeneDx
Classification: Benign. Last evaluated: 2020-01-07. Review status: criteria provided, single submitter. Criteria: GeneDx Variant Classification Process June 2021. Collection method: clinical testing. Allele origin: germline. Affected: yes.

Athena Diagnostics
Classification: Benign. Last evaluated: 2019-07-12. Review status: criteria provided, single submitter. Criteria: Athena Diagnostics Criteria. Collection method: clinical testing. Allele origin: germline.

Breakthrough Genomics
Classification: Benign. Review status: criteria provided, single submitter. Criteria: ACMG Guidelines, 2015. Collection method: not provided. Allele origin: germline. Inheritance: Autosomal recessive inheritance. Affected: yes.